The following is an entry in ClinVar:

ClinVar aggregate classification (germline): Uncertain significance. Review status: criteria provided, multiple submitters, no conflicts (2 of 4 stars). 3 submissions from 3 submitters: Uncertain significance (3). Last evaluated 2025-08-15.

Conditions:
FANCL-related disorder. Also called: FANCL-related condition.
Fanconi anemia (FA). Also called: Fanconi's anemia. Identifiers: Orphanet 84, MedGen C0015625, MeSH D005199, MONDO:0019391.
Inborn genetic diseases. Identifiers: MedGen C0950123, MeSH D030342.

Allele frequency attached by ClinVar (database versions not stated): TOPMed below 0.00001; gnomAD exomes below 0.00001.

Submissions (3):

PreventionGenetics, part of Exact Sciences
Classification: Uncertain significance for FANCL-related condition. Last evaluated: 2025-08-15. Review status: criteria provided, single submitter. Criteria: ACMG Guidelines, 2015. Collection method: clinical testing. Allele origin: germline.
Comment: The FANCL c.884T>C variant is predicted to result in the amino acid substitution p.Ile295Thr. To our knowledge, this variant has not been reported in the literature. This variant is reported in 0.00088% of alleles in individuals of European (Non-Finnish) descent in gnomAD. At this time, the clinical significance of this variant is uncertain due to the absence of conclusive functional and genetic evidence.

Ambry Genetics
Classification: Uncertain significance for Inborn genetic diseases. Last evaluated: 2025-06-07. Review status: criteria provided, single submitter. Criteria: Ambry Variant Classification Scheme 2023. Collection method: clinical testing. Allele origin: germline.

Labcorp Genetics (formerly Invitae), Labcorp
Classification: Uncertain significance for Fanconi anemia. Last evaluated: 2021-12-15. Review status: criteria provided, single submitter. Criteria: Invitae Variant Classification Sherloc (09022015). Collection method: clinical testing. Allele origin: germline.
Comment: In summary, the available evidence is currently insufficient to determine the role of this variant in disease. Therefore, it has been classified as a Variant of Uncertain Significance. Algorithms developed to predict the effect of missense changes on protein structure and function output the following: SIFT: "Tolerated"; PolyPhen-2: "Benign"; Align-GVGD: "Class C0". The threonine amino acid residue is found in multiple mammalian species, which suggests that this missense change does not adversely affect protein function. This variant has not been reported in the literature in individuals affected with FANCL-related conditions. This variant is present in population databases (rs761259325, gnomAD 0.0009%). This sequence change replaces isoleucine, which is neutral and non-polar, with threonine, which is neutral and polar, at codon 290 of the FANCL protein (p.Ile290Thr).

NM_018062.4(FANCL):c.869T>C (p.Ile290Thr)

Gene: FANCL (FA complementation group L; minus strand). Cytogenetic location: 2p16.1.
Variant type: single nucleotide variant.
Coding change: c.869T>C on transcript NM_018062.4 (MANE Select); coding-DNA position 869, T replaced by C.
Protein change: p.Ile290Thr; replaces isoleucine 290 with threonine.
Molecular consequence: missense variant.
Genome position (GRCh38, 1-based): chr2:58,162,900, A>G on the plus strand (T>C on the coding strand, the complement: FANCL is on the minus strand). VCF-style: chr2-58162900-A-G. GRCh37 (hg19) VCF-style: chr2-58390035-A-G.
Other names: c.884T>C, p.Ile295Thr (NM_001114636.2); c.914T>C, p.Ile305Thr (NM_001374615.1); c.929T>C, p.Ile310Thr (NM_001410792.1); short protein forms I305T, I310T, I290T, I295T.
Identifiers: ClinVar variation 2015450 (VCV002015450.6), dbSNP rs761259325, ClinGen allele CA1670413.